The following is an entry in ClinVar:

NM_014249.4(NR2E3):c.116C>T (p.Thr39Ile)

Gene: NR2E3 (nuclear receptor subfamily 2 group E member 3; plus strand). Cytogenetic location: 15q23.
Variant type: single nucleotide variant.
Coding change: c.116C>T on transcript NM_014249.4 (MANE Select); coding-DNA position 116, C replaced by T.
Protein change: p.Thr39Ile; replaces threonine 39 with isoleucine.
Molecular consequence: missense variant.
Genome position (GRCh38, 1-based): chr15:71,810,859, C>T. VCF-style: chr15-71810859-C-T. GRCh37 (hg19) VCF-style: chr15-72103199-C-T.
Other names: c.116C>T, p.Thr39Ile (NM_016346.4); short protein forms T39I.
Identifiers: ClinVar variation 2181232 (VCV002181232.4), dbSNP rs894152038, ClinGen allele CA393031882.

ClinVar aggregate classification (germline): Uncertain significance (1 of 4 stars; one submission).

Submission:

Labcorp Genetics (formerly Invitae), Labcorp
Classification: Uncertain significance. Last evaluated: 2022-04-30. Review status: criteria provided, single submitter. Criteria: Invitae Variant Classification Sherloc (09022015). Collection method: clinical testing. Allele origin: germline.
Comment: In summary, the available evidence is currently insufficient to determine the role of this variant in disease. Therefore, it has been classified as a Variant of Uncertain Significance. Experimental studies and prediction algorithms are not available or were not evaluated, and the functional significance of this variant is currently unknown. This variant has not been reported in the literature in individuals affected with NR2E3-related conditions. This variant is not present in population databases (gnomAD no frequency). This sequence change replaces threonine, which is neutral and polar, with isoleucine, which is neutral and non-polar, at codon 39 of the NR2E3 protein (p.Thr39Ile).